The following is an entry in ClinVar:

ClinVar aggregate classification (germline): Uncertain significance (1 of 4 stars; one submission).

gnomAD v4.1: 1 of 1,613,716 alleles (0.000062%); highest among the groups gnomAD compares: Non-Finnish European, 0.000085%; no homozygotes.

Submission:

GeneDx
Classification: Uncertain significance. Last evaluated: 2024-08-30. Review status: criteria provided, single submitter. Criteria: GeneDx Variant Classification Process June 2021. Collection method: clinical testing. Allele origin: germline. Affected: yes.
Comment: Not observed at significant frequency in large population cohorts (gnomAD); In silico analysis supports that this missense variant has a deleterious effect on protein structure/function; Has not been previously published as pathogenic or benign to our knowledge

NM_014727.3(KMT2B):c.5131G>C (p.Glu1711Gln)

Gene: KMT2B (lysine methyltransferase 2B; plus strand). Cytogenetic location: 19q13.12.
Variant type: single nucleotide variant.
Coding change: c.5131G>C on transcript NM_014727.3 (MANE Select); coding-DNA position 5131, G replaced by C.
Protein change: p.Glu1711Gln; replaces glutamic acid 1711 with glutamine.
Molecular consequence: missense variant.
Genome position (GRCh38, 1-based): chr19:35,730,396, G>C. VCF-style: chr19-35730396-G-C. GRCh37 (hg19) VCF-style: chr19-36221297-G-C.
Other names: short protein forms E1711Q.
Identifiers: ClinVar variation 3765964 (VCV003765964.1).